The following is an entry in ClinVar:

NM_144508.5(KNL1):c.4059T>C (p.Ser1353=)

Gene: KNL1 (kinetochore scaffold 1; plus strand). Cytogenetic location: 15q15.1.
Variant type: single nucleotide variant.
Coding change: c.4059T>C on transcript NM_144508.5 (MANE Select); coding-DNA position 4059, T replaced by C.
Protein change: p.Ser1353=; no amino-acid change (serine 1353 retained).
Molecular consequence: synonymous variant.
Genome position (GRCh38, 1-based): chr15:40,624,323, T>C. VCF-style: chr15-40624323-T-C. GRCh37 (hg19) VCF-style: chr15-40916521-T-C.
Other names: c.4137T>C, p.Ser1379= (NM_170589.5).
Identifiers: ClinVar variation 3027007 (VCV003027007.22), dbSNP rs2504280175, ClinGen allele CA489978566.

ClinVar aggregate classification (germline): Likely benign (1 of 4 stars; one submission).

Submission:

CeGaT Center for Human Genetics Tuebingen
Classification: Likely benign. Last evaluated: 2024-01-01. Review status: criteria provided, single submitter. Criteria: CeGaT Center For Human Genetics Tuebingen Variant Classification Criteria Version 2. Collection method: clinical testing. Allele origin: germline. Affected: yes. Observed: 1 variant allele.
Comment: KNL1: PM2:Supporting, BP4, BP7